The following is an entry in ClinVar:

ClinVar aggregate classification (germline): Benign/Likely benign. Review status: criteria provided, multiple submitters, no conflicts (2 of 4 stars). 3 submissions from 3 submitters: Benign (1); Likely benign (1). 1 of the submissions does not count toward it. Last evaluated 2024-11-21.

Conditions:
KIAA1549-related disorder. Also called: KIAA1549-related condition.

Allele frequency attached by ClinVar (database versions not stated): gnomAD 0.00004 and 0.00007; TOPMed 0.00006; gnomAD exomes 0.00012 and 0.00018; ExAC 0.00021; 1000 Genomes Project 0.00040; 1000 Genomes Project 30x 0.00062.
gnomAD v4.1: 192 of 1,613,772 alleles (0.012%); highest among the groups gnomAD compares: South Asian, 0.099%; no homozygotes.

Submissions (3):

Labcorp Genetics (formerly Invitae), Labcorp
Classification: Benign. Last evaluated: 2024-11-21. Review status: criteria provided, single submitter. Criteria: Invitae Variant Classification Sherloc (09022015). Collection method: clinical testing. Allele origin: germline.

Blueprint Genetics
Classification: Likely benign. Last evaluated: 2023-12-29. Review status: criteria provided, single submitter. Criteria: ACMG Guidelines, 2015. Collection method: clinical testing. Allele origin: germline.

PreventionGenetics, part of Exact Sciences
Classification: Likely benign for KIAA1549-related condition. Last evaluated: 2019-04-09. Review status: no assertion criteria provided. Collection method: clinical testing. Allele origin: germline. Not counted in ClinVar's aggregate classification.
Comment: This variant is classified as likely benign based on ACMG/AMP sequence variant interpretation guidelines (Richards et al. 2015 PMID: 25741868, with internal and published modifications).

NM_001164665.2(KIAA1549):c.3834T>C (p.Gly1278=)

Gene: KIAA1549 (KIAA1549; minus strand). Cytogenetic location: 7q34.
Variant type: single nucleotide variant.
Coding change: c.3834T>C on transcript NM_001164665.2 (MANE Select); coding-DNA position 3834, T replaced by C.
Protein change: p.Gly1278=; no amino-acid change (glycine 1278 retained).
Molecular consequence: synonymous variant.
Genome position (GRCh38, 1-based): chr7:138,898,968, A>G on the plus strand (T>C on the coding strand, the complement: KIAA1549 is on the minus strand). VCF-style: chr7-138898968-A-G. GRCh37 (hg19) VCF-style: chr7-138583714-A-G.
Other names: c.3834T>C, p.Gly1278= (NM_020910.3).
Identifiers: ClinVar variation 726094 (VCV000726094.14), dbSNP rs185026022, ClinGen allele CA4506102.